The following is an entry in ClinVar:

NM_000368.5(TSC1):c.2509A>G (p.Asn837Asp)

Gene: TSC1 (TSC complex subunit 1; minus strand). Cytogenetic location: 9q34.13.
Variant type: single nucleotide variant.
Coding change: c.2509A>G on transcript NM_000368.5 (MANE Select); coding-DNA position 2509, A replaced by G.
Protein change: p.Asn837Asp; replaces asparagine 837 with aspartic acid.
Molecular consequence: missense variant.
Genome position (GRCh38, 1-based): chr9:132,900,831, T>C on the plus strand (A>G on the coding strand, the complement: TSC1 is on the minus strand). VCF-style: chr9-132900831-T-C. GRCh37 (hg19) VCF-style: chr9-135776218-T-C.
Other names: c.2506A>G, p.Asn836Asp (NM_001162426.2, NM_001406597.1, NM_001406598.1 and 2 more transcripts); c.2356A>G, p.Asn786Asp (NM_001162427.2, NM_001406610.1); c.2146A>G, p.Asn716Asp (NM_001362177.2, NM_001406614.1, NM_001406615.1 and 4 more transcripts); c.2509A>G, p.Asn837Asp (NM_001406592.1, NM_001406593.1, NM_001406594.1 and 2 more transcripts); c.2494A>G, p.Asn832Asp (NM_001406601.1, NM_001406602.1); c.2491A>G, p.Asn831Asp (NM_001406603.1, NM_001406604.1); c.2467A>G, p.Asn823Asp (NM_001406605.1, NM_001406606.1, NM_001406607.1); c.2464A>G, p.Asn822Asp (NM_001406608.1, NM_001406609.1); and 8 more; short protein forms N771D, N786D, N822D, N831D, N837D, N486D, N519D, N520D.
Identifiers: ClinVar variation 1792350 (VCV001792350.2), dbSNP rs2538553379, ClinGen allele CA375370350.

ClinVar aggregate classification (germline): Uncertain significance (1 of 4 stars; one submission).

Conditions:
Hereditary cancer-predisposing syndrome. Also called: Hereditary Cancer Syndrome; Hereditary neoplastic syndrome; Tumor predisposition; Neoplastic Syndromes, Hereditary. Identifiers: Orphanet 140162, MedGen C0027672, MeSH D009386, MONDO:0015356.

Submission:

Ambry Genetics
Classification: Uncertain significance for Hereditary cancer-predisposing syndrome. Last evaluated: 2022-01-26. Review status: criteria provided, single submitter. Criteria: Ambry Variant Classification Scheme 2023. Collection method: clinical testing. Allele origin: germline.
Comment: The p.N837D variant (also known as c.2509A>G), located in coding exon 18 of the TSC1 gene, results from an A to G substitution at nucleotide position 2509. The asparagine at codon 837 is replaced by aspartic acid, an amino acid with highly similar properties. This amino acid position is conserved. In addition, this alteration is predicted to be tolerated by in silico analysis. Since supporting evidence is limited at this time, the clinical significance of this alteration remains unclear.